The following is an entry in ClinVar:

NM_007194.4(CHEK2):c.469A>G (p.Ile157Val)

Gene: CHEK2 (checkpoint kinase 2; minus strand). Cytogenetic location: 22q12.1.
Variant type: single nucleotide variant.
Coding change: c.469A>G on transcript NM_007194.4 (MANE Select); coding-DNA position 469, A replaced by G.
Protein change: p.Ile157Val; replaces isoleucine 157 with valine.
Molecular consequence: missense variant. On other transcripts: 5 prime UTR variant (2), intron variant (1).
Genome position (GRCh38, 1-based): chr22:28,725,100, T>C on the plus strand (A>G on the coding strand, the complement: CHEK2 is on the minus strand). VCF-style: chr22-28725100-T-C. GRCh37 (hg19) VCF-style: chr22-29121088-T-C.
Other names: c.598A>G, p.Ile200Val (NM_001005735.3, NM_001438294.1); c.-309A>G (NM_001257387.3); c.-195A>G (NM_001437942.1); c.562A>G, p.Ile188Val (NM_001438293.1, NM_001438295.1); c.469A>G, p.Ile157Val (NM_145862.3); c.444+143A>G (NM_001349956.3); short protein forms I157V, I200V, I188V.
Identifiers: ClinVar variation 460837 (VCV000460837.9), dbSNP rs748262921, ClinGen allele CA10167989.

ClinVar aggregate classification (germline): Uncertain significance (1 of 4 stars; one submission).

Conditions:
Familial cancer of breast. Also called: BREAST CANCER, FAMILIAL; Hereditary breast cancer; hereditary breast carcinoma. Identifiers: Orphanet 227535, MedGen C0346153, MONDO:0016419, OMIM 114480. Disease mechanism: loss of function.

Allele frequency attached by ClinVar (database versions not stated): gnomAD exomes below 0.00001; ExAC 0.00001.
gnomAD v4.1: 4 of 1,614,178 alleles (0.00025%); highest among the groups gnomAD compares: South Asian, 0.0022%; no homozygotes.

Submission:

Labcorp Genetics (formerly Invitae), Labcorp
Classification: Uncertain significance for Familial cancer of breast. Last evaluated: 2025-11-12. Review status: criteria provided, single submitter. Criteria: Invitae Variant Classification Sherloc (09022015). Collection method: clinical testing. Allele origin: germline.
Comment: This sequence change replaces isoleucine, which is neutral and non-polar, with valine, which is neutral and non-polar, at codon 157 of the CHEK2 protein (p.Ile157Val). This variant is present in population databases (rs748262921, gnomAD 0.003%). This variant has not been reported in the literature in individuals affected with CHEK2-related conditions. ClinVar contains an entry for this variant (Variation ID: 460837). An algorithm developed to predict the effect of missense changes on protein structure and function (PolyPhen-2) suggests that this variant is likely to be tolerated. This variant disrupts the p.Ile157 amino acid residue in CHEK2. Other variant(s) that disrupt this residue have been determined to be pathogenic (PMID: 11298456, 11571648, 12049740, 15239132, 15492928, 22419737, 22799331, 23296741, 23713947, 24599715). This suggests that this residue is clinically significant, and that variants that disrupt this residue are likely to be disease-causing. In summary, the available evidence is currently insufficient to determine the role of this variant in disease. Therefore, it has been classified as a Variant of Uncertain Significance.

Literature cited by the submitters: PubMed 11298456; PubMed 11571648; PubMed 12049740; PubMed 15239132; PubMed 15492928; PubMed 22419737; PubMed 22799331; PubMed 23296741; PubMed 23713947; PubMed 24599715.